The following is an entry in ClinVar:

NM_005633.4(SOS1):c.2964+43C>A

Gene: SOS1 (SOS Ras/Rac guanine nucleotide exchange factor 1; minus strand). Cytogenetic location: 2p22.1.
Variant type: single nucleotide variant.
Coding change: c.2964+43C>A on transcript NM_005633.4 (MANE Select); 43 bases into the intron after coding-DNA position 2964, C replaced by A.
Molecular consequence: intron variant.
Genome position (GRCh38, 1-based): chr2:38,997,210, G>T on the plus strand (C>A on the coding strand, the complement: SOS1 is on the minus strand). VCF-style: chr2-38997210-G-T. GRCh37 (hg19) VCF-style: chr2-39224351-G-T.
Other names: c.2943+43C>A (NM_001382394.1); c.2964+43C>A (NM_001382395.1).
Identifiers: ClinVar variation 259848 (VCV000259848.9), dbSNP rs1454223, ClinGen allele CA1624295.

ClinVar aggregate classification (germline): Benign. Review status: criteria provided, multiple submitters, no conflicts (2 of 4 stars). 4 submissions from 4 submitters: Benign (4). Last evaluated 2021-07-15.

Conditions:
Noonan syndrome 4 (NS4). Also called: SOS1-Related Noonan Syndrome; NOONAN SYNDROME WITH PIGMENTED VILLONODULAR SYNOVITIS. Identifiers: Orphanet 648, MedGen C1853120, MONDO:0012547, OMIM 610733.

Allele frequency attached by ClinVar (database versions not stated): 1000 Genomes Project 0.90016; 1000 Genomes Project 30x 0.90131; ExAC 0.91882; gnomAD exomes 0.92112 and 0.92961; TOPMed 0.93676; gnomAD 0.93772 and 0.94284; ESP Exome Variant Server 0.94600.
gnomAD v4.1: 1,386,959 of 1,491,398 alleles (93%); highest among the groups gnomAD compares: African/African-American, 96%; 645,815 homozygotes.

Submissions (4):

Genome-Nilou Lab
Classification: Benign for Noonan syndrome 4. Last evaluated: 2021-07-15. Review status: criteria provided, single submitter. Criteria: ACMG Guidelines, 2015. Collection method: clinical testing. Allele origin: germline. Affected: no.

GeneDx
Classification: Benign. Last evaluated: 2018-06-23. Review status: criteria provided, single submitter. Criteria: GeneDx Variant Classification Process June 2021. Collection method: clinical testing. Allele origin: germline. Affected: yes.

Breakthrough Genomics
Classification: Benign. Review status: criteria provided, single submitter. Criteria: ACMG Guidelines, 2015. Collection method: not provided. Allele origin: germline. Inheritance: Autosomal dominant inheritance. Affected: yes.

PreventionGenetics, part of Exact Sciences
Classification: Benign. Review status: criteria provided, single submitter. Criteria: ACMG Guidelines, 2015. Collection method: clinical testing. Allele origin: germline.